The following is an entry in ClinVar:

ClinVar aggregate classification (germline): Uncertain significance (1 of 4 stars; one submission).

Submission:

GeneDx
Classification: Uncertain significance. Last evaluated: 2024-12-23. Review status: criteria provided, single submitter. Criteria: GeneDx Variant Classification Process June 2021. Collection method: clinical testing. Allele origin: germline. Affected: yes.
Comment: Not observed at significant frequency in large population cohorts (gnomAD); In silico analysis indicates that this missense variant does not alter protein structure/function; Has not been previously published as pathogenic or benign to our knowledge

NM_005360.5(MAF):c.131G>A (p.Ser44Asn)

Gene: MAF (MAF bZIP transcription factor; minus strand). Cytogenetic location: 16q23.2.
Variant type: single nucleotide variant.
Coding change: c.131G>A on transcript NM_005360.5 (MANE Select); coding-DNA position 131, G replaced by A.
Protein change: p.Ser44Asn; replaces serine 44 with asparagine.
Molecular consequence: missense variant.
Genome position (GRCh38, 1-based): chr16:79,599,772, C>T on the plus strand (G>A on the coding strand, the complement: MAF is on the minus strand). VCF-style: chr16-79599772-C-T. GRCh37 (hg19) VCF-style: chr16-79633669-C-T.
Other names: c.131G>A, p.Ser44Asn (NM_001031804.3); short protein forms S44N.
Identifiers: ClinVar variation 3907991 (VCV003907991.1).
Genomic context (GRCh38, chr16:79,599,772, plus strand): 5'-CACGGCGTGCTCATGGGGGTGGAGGACAGCGAGCCCCCGGCGATGAGACGGCCGCACTGG[C>T]TGATGATGCGGTCGGTCTCCACCGGTTCCTTTTTCACTTCAAACTTCATCAGATCGAAGT-3'
Protein context (NP_005351.2, residues 34-54): KEPVETDRII[Ser44Asn]QCGRLIAGGS